The following is an entry in ClinVar:

NM_000179.3(MSH6):c.1536G>T (p.Glu512Asp)

Gene: MSH6 (mutS homolog 6; plus strand). Cytogenetic location: 2p16.3.
Variant type: single nucleotide variant.
Coding change: c.1536G>T on transcript NM_000179.3 (MANE Select); coding-DNA position 1536, G replaced by T.
Protein change: p.Glu512Asp; replaces glutamic acid 512 with aspartic acid.
Molecular consequence: missense variant.
Genome position (GRCh38, 1-based): chr2:47,799,519, G>T. VCF-style: chr2-47799519-G-T. GRCh37 (hg19) VCF-style: chr2-48026658-G-T.
Other names: c.1146G>T, p.Glu382Asp (NM_001281492.2); c.630G>T, p.Glu210Asp (NM_001281493.2, NM_001281494.2, NM_001406811.1 and 6 more transcripts); c.1632G>T, p.Glu544Asp (NM_001406795.1, NM_001406802.1); c.1536G>T, p.Glu512Asp (NM_001406796.1, NM_001406798.1, NM_001406800.1 and 4 more transcripts); c.1239G>T, p.Glu413Asp (NM_001406797.1, NM_001406801.1, NM_001406805.1 and 10 more transcripts); c.1011G>T, p.Glu337Asp (NM_001406799.1, NM_001406806.1, NM_001406807.1); c.1458G>T, p.Glu486Asp (NM_001406804.1); c.1542G>T, p.Glu514Asp (NM_001406813.1); and 1 more; short protein forms E337D, E486D, E512D, E544D, E413D, E456D, E514D, E210D.
Identifiers: ClinVar variation 1774726 (VCV001774726.2), dbSNP rs2104350171, ClinGen allele CA346746566.

ClinVar aggregate classification (germline): Uncertain significance (1 of 4 stars; one submission).

Conditions:
Hereditary cancer-predisposing syndrome. Also called: Hereditary Cancer Syndrome; Hereditary neoplastic syndrome; Neoplastic Syndromes, Hereditary; Tumor predisposition. Identifiers: Orphanet 140162, MedGen C0027672, MeSH D009386, MONDO:0015356.

Submission:

Ambry Genetics
Classification: Uncertain significance for Hereditary cancer-predisposing syndrome. Last evaluated: 2018-10-25. Review status: criteria provided, single submitter. Criteria: Ambry Variant Classification Scheme 2023. Collection method: clinical testing. Allele origin: germline.
Comment: The p.E512D variant (also known as c.1536G>T), located in coding exon 4 of the MSH6 gene, results from a G to T substitution at nucleotide position 1536. The glutamic acid at codon 512 is replaced by aspartic acid, an amino acid with highly similar properties. This amino acid position is highly conserved in available vertebrate species. In addition, this alteration is predicted to be deleterious by in silico analysis. In addition, the CoDP in silico tool predicts this alteration to have a moderate impact on molecular function, with a score of 0.650 (Terui H et al. J. Biomed. Sci. 2013 Apr;20:25). Since supporting evidence is limited at this time, the clinical significance of this alteration remains unclear.